The following is an entry in ClinVar:

NM_024852.4(AGO3):c.1277G>A (p.Arg426Gln)

Gene: AGO3 (argonaute RISC catalytic component 3; plus strand). Cytogenetic location: 1p34.3.
Variant type: single nucleotide variant.
Coding change: c.1277G>A on transcript NM_024852.4 (MANE Select); coding-DNA position 1277, G replaced by A.
Protein change: p.Arg426Gln; replaces arginine 426 with glutamine.
Molecular consequence: missense variant.
Genome position (GRCh38, 1-based): chr1:36,013,919, G>A. VCF-style: chr1-36013919-G-A. GRCh37 (hg19) VCF-style: chr1-36479520-G-A.
Other names: c.575G>A, p.Arg192Gln (NM_177422.3); short protein forms R192Q, R426Q.
Identifiers: ClinVar variation 2628580 (VCV002628580.1), dbSNP rs767090774, ClinGen allele CA763788.

ClinVar aggregate classification (germline): Uncertain significance (1 of 4 stars; one submission).

Conditions:
AGO3-related disorder. Also called: AGO3-related condition.

Allele frequency attached by ClinVar (database versions not stated): gnomAD exomes below 0.00001; TOPMed below 0.00001; ExAC 0.00002.
gnomAD v4.1: 4 of 1,611,416 alleles (0.00025%); highest among the groups gnomAD compares: Non-Finnish European, 0.00017%; no homozygotes.

Submission:

PreventionGenetics, part of Exact Sciences
Classification: Uncertain significance for AGO3-related condition. Last evaluated: 2023-03-04. Review status: criteria provided, single submitter. Criteria: ACMG Guidelines, 2015. Collection method: clinical testing. Allele origin: germline.
Comment: The AGO3 c.1277G>A variant is predicted to result in the amino acid substitution p.Arg426Gln. To our knowledge, this variant has not been reported in the literature. This variant is reported in 0.0054% of alleles in individuals of East Asian descent in gnomAD. At this time, the clinical significance of this variant is uncertain due to the absence of conclusive functional and genetic evidence.